The following is an entry in ClinVar:

NM_000165.5(GJA1):c.291C>A (p.Phe97Leu)

Gene: GJA1 (gap junction protein alpha 1; plus strand). Cytogenetic location: 6q22.31.
Variant type: single nucleotide variant.
Coding change: c.291C>A on transcript NM_000165.5 (MANE Select); coding-DNA position 291, C replaced by A.
Protein change: p.Phe97Leu; replaces phenylalanine 97 with leucine.
Molecular consequence: missense variant.
Genome position (GRCh38, 1-based): chr6:121,447,138, C>A. VCF-style: chr6-121447138-C-A. GRCh37 (hg19) VCF-style: chr6-121768284-C-A.
Other names: short protein forms F97L.
Identifiers: ClinVar variation 4763936 (VCV004763936.1).

ClinVar aggregate classification (germline): Uncertain significance (1 of 4 stars; one submission).

Conditions:
Oculodentodigital dysplasia, autosomal recessive. Also called: OCULODENTOOSSEOUS DYSPLASIA, AUTOSOMAL RECESSIVE; ODDD, AUTOSOMAL RECESSIVE; ODOD, AUTOSOMAL RECESSIVE. Identifiers: Orphanet 2710, MedGen C2749477, MONDO:0009768, OMIM 257850.

gnomAD v4.1: 1 of 1,613,858 alleles (0.000062%); highest among the groups gnomAD compares: Non-Finnish European, 0.000085%; no homozygotes.

Submission:

Labcorp Genetics (formerly Invitae), Labcorp
Classification: Uncertain significance for Oculodentodigital dysplasia, autosomal recessive. Last evaluated: 2025-09-09. Review status: criteria provided, single submitter. Criteria: Invitae Variant Classification Sherloc (09022015). Collection method: clinical testing. Allele origin: germline.
Comment: This sequence change replaces phenylalanine, which is neutral and non-polar, with leucine, which is neutral and non-polar, at codon 97 of the GJA1 protein (p.Phe97Leu). This variant is not present in population databases (gnomAD no frequency). This variant has not been reported in the literature in individuals affected with GJA1-related conditions. Invitae Evidence Modeling of protein sequence and biophysical properties (such as structural, functional, and spatial information, amino acid conservation, physicochemical variation, residue mobility, and thermodynamic stability) has been performed for this missense variant. However, the output from this modeling did not meet the statistical confidence thresholds required to predict the impact of this variant on GJA1 protein function. In summary, the available evidence is currently insufficient to determine the role of this variant in disease. Therefore, it has been classified as a Variant of Uncertain Significance.